The following is an entry in ClinVar:

NM_005732.4(RAD50):c.2763G>C (p.Lys921Asn)

Gene: RAD50 (RAD50 double strand break repair protein; plus strand). Cytogenetic location: 5q31.1.
Variant type: single nucleotide variant.
Coding change: c.2763G>C on transcript NM_005732.4 (MANE Select); coding-DNA position 2763, G replaced by C.
Protein change: p.Lys921Asn; replaces lysine 921 with asparagine.
Molecular consequence: missense variant.
Genome position (GRCh38, 1-based): chr5:132,608,659, G>C. VCF-style: chr5-132608659-G-C. GRCh37 (hg19) VCF-style: chr5-131944351-G-C.
Other names: short protein forms K921N.
Identifiers: ClinVar variation 1379359 (VCV001379359.8), dbSNP rs2149849410, ClinGen allele CA360958836.

ClinVar aggregate classification (germline): Uncertain significance (1 of 4 stars; one submission).

Conditions:
Hereditary cancer-predisposing syndrome. Also called: Neoplastic Syndromes, Hereditary; Hereditary Cancer Syndrome; Tumor predisposition; Hereditary neoplastic syndrome. Identifiers: Orphanet 140162, MedGen C0027672, MeSH D009386, MONDO:0015356.

Submission:

Labcorp Genetics (formerly Invitae), Labcorp
Classification: Uncertain significance for Hereditary cancer-predisposing syndrome. Last evaluated: 2021-03-17. Review status: criteria provided, single submitter. Criteria: Invitae Variant Classification Sherloc (09022015). Collection method: clinical testing. Allele origin: germline.
Comment: This variant is not present in population databases (ExAC no frequency). In summary, the available evidence is currently insufficient to determine the role of this variant in disease. Therefore, it has been classified as a Variant of Uncertain Significance. Algorithms developed to predict the effect of missense changes on protein structure and function (SIFT, PolyPhen-2, Align-GVGD) all suggest that this variant is likely to be tolerated, but these predictions have not been confirmed by published functional studies and their clinical significance is uncertain. This variant has not been reported in the literature in individuals with RAD50-related conditions. This sequence change replaces lysine with asparagine at codon 921 of the RAD50 protein (p.Lys921Asn). The lysine residue is moderately conserved and there is a moderate physicochemical difference between lysine and asparagine.